The following is an entry in ClinVar:

NM_021930.6(RINT1):c.262T>G (p.Leu88Val)

Gene: RINT1 (RAD50 interactor 1; plus strand). Cytogenetic location: 7q22.3.
Variant type: single nucleotide variant.
Coding change: c.262T>G on transcript NM_021930.6 (MANE Select); coding-DNA position 262, T replaced by G.
Protein change: p.Leu88Val; replaces leucine 88 with valine.
Molecular consequence: missense variant. On other transcripts: 5 prime UTR variant (3), non-coding transcript variant (1), intron variant (1).
Genome position (GRCh38, 1-based): chr7:105,536,738, T>G. VCF-style: chr7-105536738-T-G. GRCh37 (hg19) VCF-style: chr7-105177185-T-G.
Other names: c.-758T>G (NM_001346600.2); c.-661T>G (NM_001346601.2); c.-281T>G (NM_001346603.2); c.39+126T>G (NM_001346599.2); short protein forms L88V.
Identifiers: ClinVar variation 1064350 (VCV001064350.12), dbSNP rs1404756163, ClinGen allele CA368800767.

ClinVar aggregate classification (germline): Uncertain significance. Review status: criteria provided, multiple submitters, no conflicts (2 of 4 stars). 2 submissions from 2 submitters: Uncertain significance (2). Last evaluated 2024-11-28.

Allele frequency attached by ClinVar (database versions not stated): gnomAD exomes below 0.00001 and 0.00001.
gnomAD v4.1: 6 of 1,592,102 alleles (0.00038%); highest among the groups gnomAD compares: Admixed American, 0.0036%; no homozygotes.

Submissions (2):

Ambry Genetics
Classification: Uncertain significance. Last evaluated: 2024-11-28. Review status: criteria provided, single submitter. Criteria: Ambry Variant Classification Scheme 2023. Collection method: clinical testing. Allele origin: germline.
Comment: The p.L88V variant (also known as c.262T>G), located in coding exon 3 of the RINT1 gene, results from a T to G substitution at nucleotide position 262. The leucine at codon 88 is replaced by valine, an amino acid with highly similar properties. This amino acid position is conserved. In addition, this alteration is predicted to be tolerated by in silico analysis. Since supporting evidence is limited at this time, the clinical significance of this alteration remains unclear.

Labcorp Genetics (formerly Invitae), Labcorp
Classification: Uncertain significance. Last evaluated: 2024-10-05. Review status: criteria provided, single submitter. Criteria: Invitae Variant Classification Sherloc (09022015). Collection method: clinical testing. Allele origin: germline.
Comment: This sequence change replaces leucine, which is neutral and non-polar, with valine, which is neutral and non-polar, at codon 88 of the RINT1 protein (p.Leu88Val). This variant is present in population databases (no rsID available, gnomAD 0.007%). This variant has not been reported in the literature in individuals affected with RINT1-related conditions. ClinVar contains an entry for this variant (Variation ID: 1064350). An algorithm developed to predict the effect of missense changes on protein structure and function (PolyPhen-2) suggests that this variant is likely to be tolerated. In summary, the available evidence is currently insufficient to determine the role of this variant in disease. Therefore, it has been classified as a Variant of Uncertain Significance.